The following is an entry in ClinVar:

NM_006015.6(ARID1A):c.6207dup (p.Gln2070fs)

Gene: ARID1A (AT-rich interaction domain 1A; plus strand). Cytogenetic location: 1p36.11.
Variant type: Duplication.
Coding change: c.6207dup on transcript NM_006015.6 (MANE Select); coding-DNA position 6207, one base duplicated (G; older notation c.6207dupG).
Protein change: p.Gln2070fs; shifts the reading frame from glutamine 2070.
Molecular consequence: frameshift variant.
Genome position (GRCh38, 1-based): chr1:26,780,105, G duplicated; the last of 4 consecutive G bases (chr1:26,780,102-26,780,105); duplicating any one gives the same sequence. VCF-style (leftmost placement, unchanged base first): chr1-26780101-C-CG. GRCh37 (hg19) VCF-style: chr1-27106592-C-CG.
Other names: c.5556dup, p.Gln1853fs (NM_139135.4); short protein forms Q1853fs, Q2070fs.
Identifiers: ClinVar variation 2719632 (VCV002719632.3), dbSNP rs2522050035, ClinGen allele CA2697552302.

ClinVar aggregate classification (germline): Pathogenic (1 of 4 stars; one submission).

Submission:

Labcorp Genetics (formerly Invitae), Labcorp
Classification: Pathogenic. Last evaluated: 2023-06-20. Review status: criteria provided, single submitter. Criteria: Invitae Variant Classification Sherloc (09022015). Collection method: clinical testing. Allele origin: germline.
Comment: This sequence change creates a premature translational stop signal (p.Gln2070Alafs*29) in the ARID1A gene. While this is not anticipated to result in nonsense mediated decay, it is expected to disrupt the last 216 amino acid(s) of the ARID1A protein. This variant is not present in population databases (gnomAD no frequency). This variant has not been reported in the literature in individuals affected with ARID1A-related conditions. This variant disrupts a region of the ARID1A protein in which other variant(s) (p.Gln2209*) have been determined to be pathogenic (PMID: 35885948). This suggests that this is a clinically significant region of the protein, and that variants that disrupt it are likely to be disease-causing. For these reasons, this variant has been classified as Pathogenic.

Literature cited by the submitters: PubMed 35885948.